The following is an entry in ClinVar:

NM_177438.3(DICER1):c.1596C>G (p.Asn532Lys)

Gene: DICER1 (dicer 1, ribonuclease III; minus strand). Cytogenetic location: 14q32.13.
Variant type: single nucleotide variant.
Coding change: c.1596C>G on transcript NM_177438.3 (MANE Select); coding-DNA position 1596, C replaced by G.
Protein change: p.Asn532Lys; replaces asparagine 532 with lysine.
Molecular consequence: missense variant. On other transcripts: non-coding transcript variant (6), intron variant (1).
Genome position (GRCh38, 1-based): chr14:95,116,609, G>C on the plus strand (C>G on the coding strand, the complement: DICER1 is on the minus strand). VCF-style: chr14-95116609-G-C. GRCh37 (hg19) VCF-style: chr14-95582946-G-C.
Other names: c.1596C>G, p.Asn532Lys (NM_001195573.1, NM_001271282.3, NM_001291628.2 and 12 more transcripts); c.1314C>G, p.Asn438Lys (NM_001395686.1); c.1191C>G, p.Asn397Lys (NM_001395687.1, NM_001395688.1, NM_001395689.1 and 3 more transcripts); c.1029C>G, p.Asn343Lys (NM_001395691.1); c.-59-29C>G (NM_001395697.1); short protein forms N438K, N532K, N343K, N397K.
Identifiers: ClinVar variation 5035301 (VCV005035301.1).

ClinVar aggregate classification (germline): Uncertain significance (1 of 4 stars; one submission).

Conditions:
Hereditary cancer-predisposing syndrome. Also called: Hereditary Cancer Syndrome; Neoplastic Syndromes, Hereditary; Tumor predisposition; Hereditary neoplastic syndrome. Identifiers: Orphanet 140162, MedGen C0027672, MeSH D009386, MONDO:0015356.

Submission:

Ambry Genetics
Classification: Uncertain significance for Hereditary cancer-predisposing syndrome. Last evaluated: 2026-07-27. Review status: criteria provided, single submitter. Criteria: Ambry Variant Classification Scheme 2023. Collection method: clinical testing. Allele origin: germline.
Comment: The p.N532K variant (also known as c.1596C>G), located in coding exon 9 of the DICER1 gene, results from a C to G substitution at nucleotide position 1596. The asparagine at codon 532 is replaced by lysine, an amino acid with similar properties. This amino acid position is conserved. In addition, this alteration is predicted to be tolerated by in silico analysis. Based on the available evidence, the clinical significance of this variant remains unclear.